The following is an entry in ClinVar:

NM_006343.3(MERTK):c.1186G>T (p.Glu396Ter)

Gene: MERTK (MER proto-oncogene, tyrosine kinase; plus strand). Cytogenetic location: 2q13.
Variant type: single nucleotide variant.
Coding change: c.1186G>T on transcript NM_006343.3 (MANE Select); coding-DNA position 1186, G replaced by T.
Protein change: p.Glu396Ter; replaces glutamic acid 396 with a stop codon.
Molecular consequence: nonsense.
Genome position (GRCh38, 1-based): chr2:111,982,883, G>T. VCF-style: chr2-111982883-G-T. GRCh37 (hg19) VCF-style: chr2-112740460-G-T.
Other names: short protein forms E396*.
Identifiers: ClinVar variation 2203134 (VCV002203134.4), dbSNP rs2466843671, ClinGen allele CA348235392.

ClinVar aggregate classification (germline): Pathogenic (1 of 4 stars; one submission).

gnomAD v4.1: 1 of 1,614,044 alleles (0.000062%); highest among the groups gnomAD compares: East Asian, 0.0022%; no homozygotes.

Submission:

Labcorp Genetics (formerly Invitae), Labcorp
Classification: Pathogenic. Last evaluated: 2023-08-10. Review status: criteria provided, single submitter. Criteria: Invitae Variant Classification Sherloc (09022015). Collection method: clinical testing. Allele origin: germline.
Comment: For these reasons, this variant has been classified as Pathogenic. Algorithms developed to predict the effect of sequence changes on RNA splicing suggest that this variant may disrupt the consensus splice site. ClinVar contains an entry for this variant (Variation ID: 2203134). This premature translational stop signal has been observed in individual(s) with clinical features of retinitis pigmentosa (PMID: 24938718, 33781268). This variant is not present in population databases (gnomAD no frequency). This sequence change creates a premature translational stop signal (p.Glu396*) in the MERTK gene. It is expected to result in an absent or disrupted protein product. Loss-of-function variants in MERTK are known to be pathogenic (PMID: 24265693, 29659094).

Literature cited by the submitters: PubMed 24938718; PubMed 33781268; PubMed 24265693; PubMed 29659094.